The following is an entry in ClinVar:

ClinVar aggregate classification (germline): Uncertain significance (1 of 4 stars; one submission).

Allele frequency attached by ClinVar (database versions not stated): gnomAD 0.00001; TOPMed 0.00001; ExAC 0.00002; gnomAD exomes 0.00002; ESP Exome Variant Server 0.00008.
gnomAD v4.1: 37 of 1,613,670 alleles (0.0023%); highest among the groups gnomAD compares: Non-Finnish European, 0.0031%; no homozygotes.

Submission:

Labcorp Genetics (formerly Invitae), Labcorp
Classification: Uncertain significance. Last evaluated: 2023-01-13. Review status: criteria provided, single submitter. Criteria: Invitae Variant Classification Sherloc (09022015). Collection method: clinical testing. Allele origin: germline.
Comment: This sequence change replaces phenylalanine, which is neutral and non-polar, with valine, which is neutral and non-polar, at codon 997 of the MYO3A protein (p.Phe997Val). This variant is present in population databases (rs370500555, gnomAD 0.002%). This variant has not been reported in the literature in individuals affected with MYO3A-related conditions. Advanced modeling of protein sequence and biophysical properties (such as structural, functional, and spatial information, amino acid conservation, physicochemical variation, residue mobility, and thermodynamic stability) performed at Invitae indicates that this missense variant is not expected to disrupt MYO3A protein function. In summary, the available evidence is currently insufficient to determine the role of this variant in disease. Therefore, it has been classified as a Variant of Uncertain Significance.

NM_017433.5(MYO3A):c.2989T>G (p.Phe997Val)

Gene: MYO3A (myosin IIIA; plus strand). Cytogenetic location: 10p12.1.
Variant type: single nucleotide variant.
Coding change: c.2989T>G on transcript NM_017433.5 (MANE Select); coding-DNA position 2989, T replaced by G.
Protein change: p.Phe997Val; replaces phenylalanine 997 with valine.
Molecular consequence: missense variant.
Genome position (GRCh38, 1-based): chr10:26,157,505, T>G. VCF-style: chr10-26157505-T-G. GRCh37 (hg19) VCF-style: chr10-26446434-T-G.
Other names: short protein forms F997V.
Identifiers: ClinVar variation 2959214 (VCV002959214.3), dbSNP rs370500555, ClinGen allele CA5445118.